The following is an entry in ClinVar:

ClinVar aggregate classification (germline): Uncertain significance (1 of 4 stars; one submission).

Allele frequency attached by ClinVar (database versions not stated): gnomAD exomes 0.00001.
gnomAD v4.1: 14 of 1,613,952 alleles (0.00087%); highest among the groups gnomAD compares: East Asian, 0.011%; no homozygotes.

Submission:

Labcorp Genetics (formerly Invitae), Labcorp
Classification: Uncertain significance. Last evaluated: 2021-09-14. Review status: criteria provided, single submitter. Criteria: Invitae Variant Classification Sherloc (09022015). Collection method: clinical testing. Allele origin: germline.
Comment: This variant has not been reported in the literature in individuals affected with TUBGCP4-related conditions. Algorithms developed to predict the effect of missense changes on protein structure and function are either unavailable or do not agree on the potential impact of this missense change (SIFT: "Deleterious"; PolyPhen-2: "Benign"; Align-GVGD: "Class C0"). In summary, the available evidence is currently insufficient to determine the role of this variant in disease. Therefore, it has been classified as a Variant of Uncertain Significance. This sequence change replaces arginine with histidine at codon 607 of the TUBGCP4 protein (p.Arg607His). The arginine residue is highly conserved and there is a small physicochemical difference between arginine and histidine. This variant is present in population databases (rs769082991, ExAC 0.006%).

NM_014444.5(TUBGCP4):c.1817G>A (p.Arg606His)

Genes: TUBGCP4 (tubulin gamma complex component 4; plus strand), TP53BP1 (tumor protein p53 binding protein 1; minus strand). Cytogenetic location: 15q15.3.
Variant type: single nucleotide variant.
Coding change: c.1817G>A on transcript NM_014444.5 (MANE Select); coding-DNA position 1817, G replaced by A.
Protein change: p.Arg606His; replaces arginine 606 with histidine.
Molecular consequence: missense variant. On other transcripts: 3 prime UTR variant (5).
Genome position (GRCh38, 1-based): chr15:43,403,768, G>A. VCF-style: chr15-43403768-G-A. GRCh37 (hg19) VCF-style: chr15-43695966-G-A.
Other names: c.1820G>A, p.Arg607His (NM_001286414.3); c.*3615C>T (NM_001141979.3, NM_001141980.3, NM_001355001.2 and 2 more transcripts); short protein forms R606H, R607H.
Identifiers: ClinVar variation 1420126 (VCV001420126.5), dbSNP rs769082991, ClinGen allele CA7524202.